The following is an entry in ClinVar:

NM_033056.4(PCDH15):c.4978T>C (p.Ser1660Pro)

Gene: PCDH15 (protocadherin related 15; minus strand). Cytogenetic location: 10q21.1.
Variant type: single nucleotide variant.
Coding change: c.4978T>C on transcript NM_033056.4 (MANE Plus Clinical); coding-DNA position 4978, T replaced by C.
Protein change: p.Ser1660Pro; replaces serine 1660 with proline.
Molecular consequence: missense variant. On other transcripts: intron variant (8).
Genome position (GRCh38, 1-based): chr10:53,822,748, A>G on the plus strand (T>C on the coding strand, the complement: PCDH15 is on the minus strand). VCF-style: chr10-53822748-A-G. GRCh37 (hg19) VCF-style: chr10-55582508-A-G.
Other names: c.4999T>C, p.Ser1667Pro (NM_001142763.2); c.4984T>C, p.Ser1662Pro (NM_001142764.2); c.4771T>C, p.Ser1591Pro (NM_001142765.2); c.4969T>C, p.Ser1657Pro (NM_001142766.2); c.4858T>C, p.Ser1620Pro (NM_001142767.2); c.4918T>C, p.Ser1640Pro (NM_001142768.2); c.4909T>C, p.Ser1637Pro (NM_001142773.2); c.4912T>C, p.Ser1638Pro (NM_001354404.2); and 6 more; short protein forms S1591P, S1620P, S1662P, S1640P, S1660P, S1657P, S1667P, S1637P.
Identifiers: ClinVar variation 2121075 (VCV002121075.1), dbSNP rs764343317, ClinGen allele CA376526158.
Genomic context (GRCh38, chr10:53,822,748, plus strand): 5'-TTCTTGAAACAGTTGGCAAAGTGGAGAATGAGAAGTGAGGCCTGGGAAAGCAAAATGAAG[A>G]GTCTGAAGAGAGAGATTTCAACTGTTCTGTTCCTTCTATCATCAGTGTTTCACCTTGCCT-3'
Protein context (NP_149045.3, residues 1650-1670): TEQLKSLSSD[Ser1660Pro]SFCFPRPHFS

ClinVar aggregate classification (germline): Uncertain significance (1 of 4 stars; one submission).

gnomAD v4.1: 1 of 1,614,104 alleles (0.000062%); highest among the groups gnomAD compares: Non-Finnish European, 0.000085%; no homozygotes.

Submission:

Labcorp Genetics (formerly Invitae), Labcorp
Classification: Uncertain significance. Last evaluated: 2022-04-03. Review status: criteria provided, single submitter. Criteria: Invitae Variant Classification Sherloc (09022015). Collection method: clinical testing. Allele origin: germline.
Comment: This sequence change replaces serine, which is neutral and polar, with proline, which is neutral and non-polar, at codon 1660 of the PCDH15 protein (p.Ser1660Pro). This variant is not present in population databases (gnomAD no frequency). This variant has not been reported in the literature in individuals affected with PCDH15-related conditions. Algorithms developed to predict the effect of missense changes on protein structure and function are either unavailable or do not agree on the potential impact of this missense change (SIFT: "Tolerated"; PolyPhen-2: "Possibly Damaging"; Align-GVGD: "Class C0"). In summary, the available evidence is currently insufficient to determine the role of this variant in disease. Therefore, it has been classified as a Variant of Uncertain Significance.